The following is an entry in ClinVar:

NC_012920.1(MT-ND5):m.13967C>T

Gene: MT-ND5 (mitochondrially encoded NADH dehydrogenase 5; plus strand).
Variant type: single nucleotide variant.
Genome position: chrM-13967-C-T.
Identifiers: ClinVar variation 693644 (VCV000693644.1), dbSNP rs386829197, ClinGen allele CA414820308.

ClinVar aggregate classification (germline): Benign (1 of 4 stars; one submission).

Conditions:
Leigh syndrome (NULS). Also called: Leigh's necrotizing encephalopathy; Leigh's disease; Leigh's syndrome; LEIGH SYNDROME, NUCLEAR; Leigh Syndrome (mtDNA deletion); Leigh Disease. Identifiers: Orphanet 506, MedGen C2931891, MONDO:0009723, OMIM 256000.

Submission:

Wong Mito Lab, Molecular and Human Genetics, Baylor College of Medicine
Classification: Benign for Leigh syndrome. Last evaluated: 2019-10-17. Review status: criteria provided, single submitter. Criteria: Modified ACMG Guidelines (Unpublished). Collection method: clinical testing. Allele origin: germline.
Comment: The NC_012920.1:m.13967C>T (YP_003024036.1:p.Thr544Met) variant in MTND5 gene is interpretated to be a Benign variant based on the modified ACMG guidelines (unpublished). This variant meets the following evidence codes: BS1, BS2